The following is an entry in ClinVar:

NM_003172.4(SURF1):c.179C>G (p.Ser60Cys)

Gene: SURF1 (SURF1 cytochrome c oxidase assembly factor; minus strand). Cytogenetic location: 9q34.2.
Variant type: single nucleotide variant.
Coding change: c.179C>G on transcript NM_003172.4 (MANE Select); coding-DNA position 179, C replaced by G.
Protein change: p.Ser60Cys; replaces serine 60 with cysteine.
Molecular consequence: missense variant. On other transcripts: 5 prime UTR variant (1).
Genome position (GRCh38, 1-based): chr9:133,354,885, G>C on the plus strand (C>G on the coding strand, the complement: SURF1 is on the minus strand). VCF-style: chr9-133354885-G-C. GRCh37 (hg19) VCF-style: chr9-136221740-G-C.
Other names: c.-149C>G (NM_001280787.1); c.179C>G (NM_003172.2); short protein forms S60C.
Identifiers: ClinVar variation 1990933 (VCV001990933.4), dbSNP rs782301641, ClinGen allele CA200833521.

ClinVar aggregate classification (germline): Uncertain significance. Review status: criteria provided, multiple submitters, no conflicts (2 of 4 stars). 2 submissions from 2 submitters: Uncertain significance (2). Last evaluated 2025-06-29.

Conditions:
Inborn genetic diseases. Identifiers: MedGen C0950123, MeSH D030342.
Leigh syndrome (NULS). Also called: Leigh's necrotizing encephalopathy; Leigh's disease; Leigh Syndrome (mtDNA deletion); Leigh Disease; Subacute necrotizing encephalopathy; Necrotizing encephalopathy infantile subacute of Leigh. Identifiers: Orphanet 506, MedGen C2931891, MONDO:0009723, OMIM 256000.

Allele frequency attached by ClinVar (database versions not stated): gnomAD exomes 0.00002.
gnomAD v4.1: 24 of 1,614,026 alleles (0.0015%); highest among the groups gnomAD compares: Non-Finnish European, 0.002%; no homozygotes.

Submissions (2):

Ambry Genetics
Classification: Uncertain significance for Inborn genetic diseases. Last evaluated: 2025-06-29. Review status: criteria provided, single submitter. Criteria: Ambry Variant Classification Scheme 2023. Collection method: clinical testing. Allele origin: germline.

Labcorp Genetics (formerly Invitae), Labcorp
Classification: Uncertain significance for Leigh syndrome. Last evaluated: 2024-10-22. Review status: criteria provided, single submitter. Criteria: Invitae Variant Classification Sherloc (09022015). Collection method: clinical testing. Allele origin: germline.
Comment: This sequence change replaces serine, which is neutral and polar, with cysteine, which is neutral and slightly polar, at codon 60 of the SURF1 protein (p.Ser60Cys). This variant is present in population databases (rs782301641, gnomAD 0.002%). This variant has not been reported in the literature in individuals affected with SURF1-related conditions. ClinVar contains an entry for this variant (Variation ID: 1990933). Invitae Evidence Modeling of protein sequence and biophysical properties (such as structural, functional, and spatial information, amino acid conservation, physicochemical variation, residue mobility, and thermodynamic stability) has been performed for this missense variant. However, the output from this modeling did not meet the statistical confidence thresholds required to predict the impact of this variant on SURF1 protein function. In summary, the available evidence is currently insufficient to determine the role of this variant in disease. Therefore, it has been classified as a Variant of Uncertain Significance.